The following is an entry in ClinVar:

NM_004667.6(HERC2):c.2465C>A (p.Pro822His)

Gene: HERC2 (HECT and RLD domain containing E3 ubiquitin protein ligase 2; minus strand). Cytogenetic location: 15q13.1.
Variant type: single nucleotide variant.
Coding change: c.2465C>A on transcript NM_004667.6 (MANE Select); coding-DNA position 2465, C replaced by A.
Protein change: p.Pro822His; replaces proline 822 with histidine.
Molecular consequence: missense variant.
Genome position (GRCh38, 1-based): chr15:28,257,113, G>T on the plus strand (C>A on the coding strand, the complement: HERC2 is on the minus strand). VCF-style: chr15-28257113-G-T. GRCh37 (hg19) VCF-style: chr15-28502259-G-T.
Other names: short protein forms P822H.
Identifiers: ClinVar variation 2432415 (VCV002432415.9), dbSNP rs1478260843, ClinGen allele CA391395247.

ClinVar aggregate classification (germline): Uncertain significance. Review status: criteria provided, multiple submitters, no conflicts (2 of 4 stars). 3 submissions from 3 submitters: Uncertain significance (3). Last evaluated 2025-12-01.

Allele frequency attached by ClinVar (database versions not stated): TOPMed 0.00001.

Submissions (3):

CeGaT Center for Human Genetics Tuebingen
Classification: Uncertain significance. Last evaluated: 2025-12-01. Review status: criteria provided, single submitter. Criteria: CeGaT Center For Human Genetics Tuebingen Variant Classification Criteria Version 2. Collection method: clinical testing. Allele origin: germline. Affected: yes. Observed: 1 variant allele.
Comment: HERC2: PM2

GeneDx
Classification: Uncertain significance. Last evaluated: 2025-03-06. Review status: criteria provided, single submitter. Criteria: GeneDx Variant Classification Process June 2021. Collection method: clinical testing. Allele origin: germline. Affected: yes.
Comment: In silico analysis supports that this missense variant has a deleterious effect on protein structure/function; Has not been previously published as pathogenic or benign to our knowledge

Revvity Omics, Revvity
Classification: Uncertain significance. Last evaluated: 2019-03-21. Review status: criteria provided, single submitter. Criteria: ACMG Guidelines, 2015. Collection method: clinical testing. Allele origin: germline.